The following is an entry in ClinVar:

NM_198525.3(KIF7):c.3986G>C (p.Arg1329Pro)

Gene: KIF7 (kinesin family member 7; minus strand). Cytogenetic location: 15q26.1.
Variant type: single nucleotide variant.
Coding change: c.3986G>C on transcript NM_198525.3 (MANE Select); coding-DNA position 3986, G replaced by C.
Protein change: p.Arg1329Pro; replaces arginine 1329 with proline.
Molecular consequence: missense variant.
Genome position (GRCh38, 1-based): chr15:89,628,465, C>G on the plus strand (G>C on the coding strand, the complement: KIF7 is on the minus strand). VCF-style: chr15-89628465-C-G. GRCh37 (hg19) VCF-style: chr15-90171696-C-G.
Other names: short protein forms R1329P.
Identifiers: ClinVar variation 2049595 (VCV002049595.4), dbSNP rs202214398, ClinGen allele CA7727454.

ClinVar aggregate classification (germline): Uncertain significance (1 of 4 stars; one submission).

Conditions:
Acrocallosal syndrome (ACLS). Also called: HALLUX DUPLICATION, POSTAXIAL POLYDACTYLY, AND ABSENCE OF CORPUS CALLOSUM; Schinzel syndrome 1; Absence of corpus callosum with unusual facial appearance, mental deficiency, duplication of the halluces and polydactyly. Identifiers: Orphanet 36, MedGen C0796147, MONDO:0008708, OMIM 200990.

gnomAD v4.1: 17 of 1,609,458 alleles (0.0011%); highest among the groups gnomAD compares: Admixed American, 0.0017%; no homozygotes.

Submission:

Labcorp Genetics (formerly Invitae), Labcorp
Classification: Uncertain significance for Acrocallosal syndrome. Last evaluated: 2024-11-18. Review status: criteria provided, single submitter. Criteria: Invitae Variant Classification Sherloc (09022015). Collection method: clinical testing. Allele origin: germline.
Comment: This sequence change replaces arginine, which is basic and polar, with proline, which is neutral and non-polar, at codon 1329 of the KIF7 protein (p.Arg1329Pro). This variant is present in population databases (rs202214398, gnomAD 0.004%). This variant has not been reported in the literature in individuals affected with KIF7-related conditions. ClinVar contains an entry for this variant (Variation ID: 2049595). Invitae Evidence Modeling of protein sequence and biophysical properties (such as structural, functional, and spatial information, amino acid conservation, physicochemical variation, residue mobility, and thermodynamic stability) indicates that this missense variant is not expected to disrupt KIF7 protein function with a negative predictive value of 80%. In summary, the available evidence is currently insufficient to determine the role of this variant in disease. Therefore, it has been classified as a Variant of Uncertain Significance.